The following is an entry in ClinVar:

ClinVar aggregate classification (germline): Likely pathogenic (1 of 4 stars; one submission).

Conditions:
Mucopolysaccharidosis, MPS-IV-B (MPS4B). Also called: MORQUIO SYNDROME B; Mucopolysaccharidosis type 4B; Mucopolysaccharidosis type IVB (Morquio); MPS IVB; Mucopolysaccharidosis type IV B; Mucopolysaccharidosis Type IVB. Identifiers: Orphanet 309310, Orphanet 582, MedGen C0086652, MONDO:0009660, OMIM 253010.

gnomAD v4.1: 1 of 1,614,220 alleles (0.000062%); no homozygotes.

Submission:

Natera, Inc.
Classification: Likely pathogenic for Mucopolysaccharidosis, MPS-IV-B. Last evaluated: 2025-05-08. Review status: criteria provided, single submitter. Criteria: Natera Variant Classification Schema (03/2026). Collection method: clinical testing. Allele origin: germline.
Comment: The c.1734G>T variant in GLB1 is a missense variant predicted to cause substitution of lysine to asparagine at amino acid 578. This variant is rare in the general population with a frequency below the threshold expected for the associated phenotype(s). This variant has been observed in one or more individuals affected with the associated recessive disease, as either homozygous or compound heterozygous with a second variant (PMID: 31731261). A different variant at the same position has been determined to be Pathogenic or Likely Pathogenic. Computational prediction algorithms indicate this variant is likely to affect gene or protein function. Given the available evidence, this variant is classified as Likely Pathogenic.

Literature cited by the submitters: PubMed 31731261.

NM_000404.4(GLB1):c.1734G>T (p.Lys578Asn)

Gene: GLB1 (galactosidase beta 1; minus strand). Cytogenetic location: 3p22.3.
Variant type: single nucleotide variant.
Coding change: c.1734G>T on transcript NM_000404.4 (MANE Select); coding-DNA position 1734, G replaced by T.
Protein change: p.Lys578Asn; replaces lysine 578 with asparagine.
Molecular consequence: missense variant.
Genome position (GRCh38, 1-based): chr3:33,014,056, C>A on the plus strand (G>T on the coding strand, the complement: GLB1 is on the minus strand). VCF-style: chr3-33014056-C-A. GRCh37 (hg19) VCF-style: chr3-33055548-C-A.
Other names: c.1644G>T, p.Lys548Asn (NM_001079811.3); c.1341G>T, p.Lys447Asn (NM_001135602.3); c.1878G>T, p.Lys626Asn (NM_001317040.2); c.1734G>T, p.Lys578Asn (NM_001393580.1); short protein forms K447N, K548N, K578N, K626N.
Identifiers: ClinVar variation 4818317 (VCV004818317.1).
Genomic context (GRCh38, chr3:33,014,056, plus strand): 5'-CAGACACTAACAACCAAAAGTTTAGGCCTGAATTCAAACCCTTCCCATGAAGACACGTAC[C>A]TTGGTCCATCCAGGAAACTGGATAAAGGTGTCCTGGGGCAAGTCTGGGATCCCACTGGGA-3'
Protein context (NP_000395.3, residues 568-588): DTFIQFPGWT[Lys578Asn]GQVWINGFNL